The following is an entry in ClinVar:

ClinVar aggregate classification (germline): Benign/Likely benign. Review status: criteria provided, multiple submitters, no conflicts (2 of 4 stars). 2 submissions from 2 submitters: Benign (1); Likely benign (1). Last evaluated 2026-01-06.

Conditions:
SPAG1-related disorder. Also called: SPAG1-related condition.
Primary ciliary dyskinesia 28. Also called: CILIARY DYSKINESIA, PRIMARY, 28, WITH OR WITHOUT SITUS INVERSUS. Identifiers: Orphanet 244, MedGen C3809706, MONDO:0014216, OMIM 615505.

Allele frequency attached by ClinVar (database versions not stated): TOPMed 0.00001; gnomAD exomes 0.00010 and 0.00021; gnomAD 0.00011; ExAC 0.00026; 1000 Genomes Project 0.00060; 1000 Genomes Project 30x 0.00062.
gnomAD v4.1: 167 of 1,614,138 alleles (0.01%); highest among the groups gnomAD compares: South Asian, 0.17%; 2 homozygotes.

Submissions (2):

PreventionGenetics, part of Exact Sciences
Classification: Likely benign for SPAG1-related condition. Last evaluated: 2026-01-06. Review status: criteria provided, single submitter. Criteria: ACMG Guidelines, 2015. Collection method: clinical testing. Allele origin: germline.
Comment: This variant is classified as likely benign based on ACMG/AMP sequence variant interpretation guidelines (Richards et al. 2015 PMID: 25741868, with internal and published modifications).

Labcorp Genetics (formerly Invitae), Labcorp
Classification: Benign for Primary ciliary dyskinesia 28. Last evaluated: 2024-12-31. Review status: criteria provided, single submitter. Criteria: Invitae Variant Classification Sherloc (09022015). Collection method: clinical testing. Allele origin: germline.

NM_003114.5(SPAG1):c.2529C>T (p.Asn843=)

Gene: SPAG1 (sperm associated antigen 1; plus strand). Cytogenetic location: 8q22.2.
Variant type: single nucleotide variant.
Coding change: c.2529C>T on transcript NM_003114.5 (MANE Select); coding-DNA position 2529, C replaced by T.
Protein change: p.Asn843=; no amino-acid change (asparagine 843 retained).
Molecular consequence: synonymous variant.
Genome position (GRCh38, 1-based): chr8:100,240,651, C>T. VCF-style: chr8-100240651-C-T. GRCh37 (hg19) VCF-style: chr8-101252879-C-T.
Other names: c.2529C>T, p.Asn843= (NM_001374321.1, NM_172218.3); c.2529C>T (NM_172218.2).
Identifiers: ClinVar variation 1540514 (VCV001540514.9), dbSNP rs536210810, ClinGen allele CA4827766.
Genomic context (GRCh38, chr8:100,240,651, plus strand): 5'-AGCCTGTGCACATCTTTTAGCCATCACTGCACCAAAAGATTTGCCGATGTTTTTAAGTAA[C>T]AAACTTGAAGGGGATACATTCCTTCTCCTCATTCAGTCTCTGAAAAATAATCTTATTGAA-3'
Protein context (NP_003105.2, residues 833-853): APKDLPMFLS[Asn843=]KLEGDTFLLL